The following is an entry in ClinVar:

NM_007194.4(CHEK2):c.335ACT[1] (p.Tyr113del)

Gene: CHEK2 (checkpoint kinase 2; minus strand). Cytogenetic location: 22q12.1.
Variant type: Microsatellite.
Coding change: c.335ACT[1] on transcript NM_007194.4 (MANE Select); one copy of the 3-base unit ACT starting at c.335; the reference has two copies in a row; one copy, 3 bases deleted.
Protein change: p.Tyr113del; deletes tyrosine 113.
Molecular consequence: inframe deletion. On other transcripts: inframe indel (3).
Genome position (GRCh38, 1-based): chr22:28,725,347-28,725,349, AGT deleted on the plus strand (ACT on the coding strand, the reverse complement: CHEK2 is on the minus strand); deleting any 3 consecutive bases within chr22:28,725,347-28,725,352 gives the same sequence; the position shown is the placement nearest the transcript's 3' end. VCF-style (leftmost placement, unchanged base first): chr22-28725346-CAGT-C. GRCh37 (hg19) VCF-style: chr22-29121334-CAGT-C.
Other names: c.464_466ACT[1], p.Tyr156del (NM_001005735.3); c.-443_-441ACT[1] (NM_001257387.3); c.335_337ACT[1], p.Tyr113del (NM_001349956.3, NM_145862.3); short protein forms Y156del, Y113del.
Identifiers: ClinVar variation 823692 (VCV000823692.6), dbSNP rs1601826064, ClinGen allele CA915952743.

ClinVar aggregate classification (germline): Uncertain significance. Review status: criteria provided, multiple submitters, no conflicts (2 of 4 stars). 2 submissions from 2 submitters: Uncertain significance (2). Last evaluated 2025-02-07.

Conditions:
Hereditary cancer-predisposing syndrome. Also called: Neoplastic Syndromes, Hereditary; Tumor predisposition; Hereditary neoplastic syndrome; Hereditary Cancer Syndrome. Identifiers: Orphanet 140162, MedGen C0027672, MeSH D009386, MONDO:0015356.
Familial cancer of breast. Also called: BREAST CANCER, FAMILIAL; Hereditary breast cancer; hereditary breast carcinoma. Identifiers: Orphanet 227535, MedGen C0346153, MONDO:0016419, OMIM 114480. Disease mechanism: loss of function.

Submissions (2):

Labcorp Genetics (formerly Invitae), Labcorp
Classification: Uncertain significance for Familial cancer of breast. Last evaluated: 2025-02-07. Review status: criteria provided, single submitter. Criteria: Invitae Variant Classification Sherloc (09022015). Collection method: clinical testing. Allele origin: germline.
Comment: This variant, c.338_340del, results in the deletion of 1 amino acid(s) of the CHEK2 protein (p.Tyr113del), but otherwise preserves the integrity of the reading frame. This variant is not present in population databases (gnomAD no frequency). This variant has not been reported in the literature in individuals affected with CHEK2-related conditions. Experimental studies and prediction algorithms are not available or were not evaluated, and the functional significance of this variant is currently unknown. In summary, the available evidence is currently insufficient to determine the role of this variant in disease. Therefore, it has been classified as a Variant of Uncertain Significance.

Ambry Genetics
Classification: Uncertain significance for Hereditary cancer-predisposing syndrome. Last evaluated: 2021-02-02. Review status: criteria provided, single submitter. Criteria: Ambry Variant Classification Scheme 2023. Collection method: clinical testing. Allele origin: germline.
Comment: The c.338_340delACT variant (also known as p.Y113del) is located in coding exon 2 of the CHEK2 gene. This variant results from an in-frame ACT deletion at nucleotide positions 338 to 340. This results in the in-frame deletion of a tyrosine at codon 113. Based on internal structural analysis, this variant is predicted to be more disruptive to the FHA domain of CHEK2 than a nearby pathogenic variant (Cai Z et al. Mol Cell, 2009 Sep;35:818-29). The deleted amino acid position is highly conserved in available vertebrate species. In addition, this alteration is predicted to be deleterious by in silico analysis (Choi Y et al. PLoS ONE. 2012; 7(10):e46688). Since supporting evidence is limited at this time, the clinical significance of this alteration remains unclear.

Literature cited by the submitters: PubMed 19782031 (cited by Ambry Genetics).